The following is an entry in ClinVar:

NM_000903.3(NQO1):c.809T>A (p.Ile270Asn)

Gene: NQO1 (NAD(P)H quinone dehydrogenase 1; minus strand). Cytogenetic location: 16q22.1.
Variant type: single nucleotide variant.
Coding change: c.809T>A on transcript NM_000903.3 (MANE Select); coding-DNA position 809, T replaced by A.
Protein change: p.Ile270Asn; replaces isoleucine 270 with asparagine.
Molecular consequence: missense variant.
Genome position (GRCh38, 1-based): chr16:69,710,992, A>T on the plus strand (T>A on the coding strand, the complement: NQO1 is on the minus strand). VCF-style: chr16-69710992-A-T. GRCh37 (hg19) VCF-style: chr16-69744895-A-T.
Other names: c.707T>A, p.Ile236Asn (NM_001025433.2); c.695T>A, p.Ile232Asn (NM_001025434.2); c.593T>A, p.Ile198Asn (NM_001286137.2); short protein forms I270N, I232N, I236N, I198N.
Identifiers: ClinVar variation 2565191 (VCV002565191.2), dbSNP rs2544317673, ClinGen allele CA396487264.

ClinVar aggregate classification (germline): Uncertain significance (1 of 4 stars; one submission).

Submission:

Ambry Genetics
Classification: Uncertain significance. Last evaluated: 2023-06-08. Review status: criteria provided, single submitter. Criteria: Ambry Variant Classification Scheme 2023. Collection method: clinical testing. Allele origin: germline.
Comment: The p.I270N variant (also known as c.809T>A), located in coding exon 6 of the NQO1 gene, results from a T to A substitution at nucleotide position 809. The isoleucine at codon 270 is replaced by asparagine, an amino acid with dissimilar properties. This amino acid position is conserved. In addition, this alteration is predicted to be tolerated by in silico analysis. Since supporting evidence is limited at this time, the clinical significance of this alteration remains unclear.